The following is an entry in ClinVar:

ClinVar aggregate classification (germline): Conflicting classifications of pathogenicity. Review status: criteria provided, conflicting classifications (1 of 4 stars). 2 submissions from 2 submitters: Likely pathogenic (1); Uncertain significance (1). Last evaluated 2024-07-10.

Conditions:
Hereditary pulmonary alveolar proteinosis. Also called: Pulmonary surfactant metabolism dysfunction. Identifiers: Orphanet 264675, MedGen C3711368, MONDO:0012580.

Submissions (2):

Labcorp Genetics (formerly Invitae), Labcorp
Classification: Likely pathogenic. Last evaluated: 2024-07-10. Review status: criteria provided, single submitter. Criteria: Invitae Variant Classification Sherloc (09022015). Collection method: clinical testing. Allele origin: germline.
Comment: This sequence change falls in intron 25 of the ABCA3 gene. It does not directly change the encoded amino acid sequence of the ABCA3 protein. It affects a nucleotide within the consensus splice site. This variant is not present in population databases (gnomAD no frequency). This variant has been observed in individual(s) with autosomal recessive ABCA3-related conditions (PMID: 24871971; Invitae). In at least one individual the data is consistent with being in trans (on the opposite chromosome) from a pathogenic variant. ClinVar contains an entry for this variant (Variation ID: 1735620). Variants that disrupt the consensus splice site are a relatively common cause of aberrant splicing (PMID: 17576681, 9536098). Algorithms developed to predict the effect of sequence changes on RNA splicing suggest that this variant may disrupt the consensus splice site. In summary, the currently available evidence indicates that the variant is pathogenic, but additional data are needed to prove that conclusively. Therefore, this variant has been classified as Likely Pathogenic.

Ambry Genetics
Classification: Uncertain significance for Hereditary pulmonary alveolar proteinosis. Last evaluated: 2024-01-19. Review status: criteria provided, single submitter. Criteria: Ambry Variant Classification Scheme 2023. Collection method: clinical testing. Allele origin: germline.
Comment: The c.3862+4A>T intronic variant results from an A to T substitution 4 nucleotides after coding exon 22 in the ABCA3 gene. This variant has been identified likely in trans with another ABCA3 variant in a child with features consistent with pulmonary surfactant metabolism dysfunction (Wambach JA et al. Am J Respir Crit Care Med, 2014 Jun;189:1538-43). This nucleotide position is highly conserved in available vertebrate species. In silico splice site analysis predicts that this alteration may weaken the native splice donor site and may result in the creation or strengthening of a novel splice donor site. Based on the available evidence, the clinical significance of this alteration remains unclear.

Literature cited by the submitters: PubMed 24871971 (cited by Labcorp Genetics (formerly Invitae), Labcorp and Ambry Genetics); PubMed 17576681 (cited by Labcorp Genetics (formerly Invitae), Labcorp); PubMed 9536098 (cited by Labcorp Genetics (formerly Invitae), Labcorp).

NM_001089.3(ABCA3):c.3862+4A>T

Gene: ABCA3 (ATP binding cassette subfamily A member 3; minus strand). Cytogenetic location: 16p13.3.
Variant type: single nucleotide variant.
Coding change: c.3862+4A>T on transcript NM_001089.3 (MANE Select); 4 bases into the intron after coding-DNA position 3862, A replaced by T.
Molecular consequence: intron variant.
Genome position (GRCh38, 1-based): chr16:2,284,275, T>A on the plus strand (A>T on the coding strand, the complement: ABCA3 is on the minus strand). VCF-style: chr16-2284275-T-A. GRCh37 (hg19) VCF-style: chr16-2334276-T-A.
Identifiers: ClinVar variation 1735620 (VCV001735620.4), dbSNP rs775437521, ClinGen allele CA973785505.